The following is an entry in ClinVar:

ClinVar aggregate classification (germline): Likely benign. Review status: criteria provided, multiple submitters, no conflicts (2 of 4 stars). 2 submissions from 2 submitters: Likely benign (2). Last evaluated 2026-09-22.

Conditions:
NBAS-related disorder. Also called: NBAS-related condition.

Allele frequency attached by ClinVar (database versions not stated): gnomAD exomes 0.00001 and 0.00006; gnomAD 0.00002 and 0.00004; TOPMed 0.00003; ExAC 0.00006; 1000 Genomes Project 0.00020; 1000 Genomes Project 30x 0.00031.
gnomAD v4.1: 23 of 1,613,928 alleles (0.0014%); highest among the groups gnomAD compares: Admixed American, 0.037%; 1 homozygote.

Submissions (2):

PreventionGenetics, part of Exact Sciences
Classification: Likely benign for NBAS-related condition. Last evaluated: 2026-09-22. Review status: criteria provided, single submitter. Criteria: ACMG Guidelines, 2015. Collection method: clinical testing. Allele origin: germline.
Comment: This variant is classified as likely benign based on ACMG/AMP sequence variant interpretation guidelines (Richards et al. 2015 PMID: 25741868, with internal and published modifications).

Labcorp Genetics (formerly Invitae), Labcorp
Classification: Likely benign. Last evaluated: 2025-07-30. Review status: criteria provided, single submitter. Criteria: Invitae Variant Classification Sherloc (09022015). Collection method: clinical testing. Allele origin: germline.

NM_015909.4(NBAS):c.6492G>C (p.Leu2164=)

Gene: NBAS (NBAS subunit of NRZ tethering complex; minus strand). Cytogenetic location: 2p24.3.
Variant type: single nucleotide variant.
Coding change: c.6492G>C on transcript NM_015909.4 (MANE Select); coding-DNA position 6492, G replaced by C.
Protein change: p.Leu2164=; no amino-acid change (leucine 2164 retained).
Molecular consequence: synonymous variant. On other transcripts: non-coding transcript variant (1).
Genome position (GRCh38, 1-based): chr2:15,190,344, C>G on the plus strand (G>C on the coding strand, the complement: NBAS is on the minus strand). VCF-style: chr2-15190344-C-G. GRCh37 (hg19) VCF-style: chr2-15330468-C-G.
Other names: c.6492G>C (NM_015909.3).
Identifiers: ClinVar variation 1583261 (VCV001583261.9), dbSNP rs182600637, ClinGen allele CA1534992.